The following is an entry in ClinVar:

ClinVar aggregate classification (germline): Uncertain significance. Review status: criteria provided, multiple submitters, no conflicts (2 of 4 stars). 2 submissions from 2 submitters: Uncertain significance (2). Last evaluated 2025-01-16.

Conditions:
Inborn genetic diseases. Identifiers: MedGen C0950123, MeSH D030342.
Multiple congenital anomalies-hypotonia-seizures syndrome 1 (MCAHS1). Also called: GLYCOSYLPHOSPHATIDYLINOSITOL BIOSYNTHESIS DEFECT 3; PIGN-CDG; Congenital disorder of glycosylation due to PIGN deficiency. Identifiers: Orphanet 280633, MedGen C3279775, MONDO:0013563, OMIM 614080.

Allele frequency attached by ClinVar (database versions not stated): ESP Exome Variant Server 0.00008.
gnomAD v4.1: 33 of 1,610,466 alleles (0.002%); highest among the groups gnomAD compares: African/African-American, 0.0027%; no homozygotes.

Submissions (2):

Ambry Genetics
Classification: Uncertain significance for Inborn genetic diseases. Last evaluated: 2025-01-16. Review status: criteria provided, single submitter. Criteria: Ambry Variant Classification Scheme 2023. Collection method: clinical testing. Allele origin: germline.

Labcorp Genetics (formerly Invitae), Labcorp
Classification: Uncertain significance for Multiple congenital anomalies-hypotonia-seizures syndrome 1. Last evaluated: 2022-03-14. Review status: criteria provided, single submitter. Criteria: Invitae Variant Classification Sherloc (09022015). Collection method: clinical testing. Allele origin: germline.
Comment: This sequence change replaces valine, which is neutral and non-polar, with phenylalanine, which is neutral and non-polar, at codon 742 of the PIGN protein (p.Val742Phe). This variant is present in population databases (rs368704155, gnomAD 0.008%). This variant has not been reported in the literature in individuals affected with PIGN-related conditions. Algorithms developed to predict the effect of missense changes on protein structure and function (SIFT, PolyPhen-2, Align-GVGD) all suggest that this variant is likely to be tolerated. In summary, the available evidence is currently insufficient to determine the role of this variant in disease. Therefore, it has been classified as a Variant of Uncertain Significance.

NM_176787.5(PIGN):c.2224G>T (p.Val742Phe)

Gene: PIGN (phosphatidylinositol glycan anchor biosynthesis class N; minus strand). Cytogenetic location: 18q21.33.
Variant type: single nucleotide variant.
Coding change: c.2224G>T on transcript NM_176787.5 (MANE Select); coding-DNA position 2224, G replaced by T.
Protein change: p.Val742Phe; replaces valine 742 with phenylalanine.
Molecular consequence: missense variant.
Genome position (GRCh38, 1-based): chr18:62,090,535, C>A on the plus strand (G>T on the coding strand, the complement: PIGN is on the minus strand). VCF-style: chr18-62090535-C-A. GRCh37 (hg19) VCF-style: chr18-59757768-C-A.
Other names: c.2224G>T, p.Val742Phe (NM_012327.6); short protein forms V742F.
Identifiers: ClinVar variation 1787978 (VCV001787978.5), dbSNP rs368704155, ClinGen allele CA8982037.